The following is an entry in ClinVar:

NM_000088.4(COL1A1):c.4135C>T (p.Gln1379Ter)

Gene: COL1A1 (collagen type I alpha 1 chain; minus strand). Cytogenetic location: 17q21.33.
Variant type: single nucleotide variant.
Coding change: c.4135C>T on transcript NM_000088.4 (MANE Select); coding-DNA position 4135, C replaced by T.
Protein change: p.Gln1379Ter; replaces glutamine 1379 with a stop codon.
Molecular consequence: nonsense.
Genome position (GRCh38, 1-based): chr17:50,185,891, G>A on the plus strand (C>T on the coding strand, the complement: COL1A1 is on the minus strand). VCF-style: chr17-50185891-G-A. GRCh37 (hg19) VCF-style: chr17-48263252-G-A.
Other names: short protein forms Q1379*.
Identifiers: ClinVar variation 2851471 (VCV002851471.3), dbSNP rs3205509, ClinGen allele CA400191991.

ClinVar aggregate classification (germline): Pathogenic (1 of 4 stars; one submission).

Conditions:
Osteogenesis imperfecta type I (OI1). Also called: OI, TYPE I; OSTEOGENESIS IMPERFECTA TARDA; OSTEOGENESIS IMPERFECTA WITH BLUE SCLERAE; Lobstein disease; Osteogenesis imperfecta type 1; Lobstein's Disease. Identifiers: Orphanet 216796, Orphanet 666, MedGen C0023931, MONDO:0008146, OMIM 166200. Disease mechanism: loss of function.

Submission:

Labcorp Genetics (formerly Invitae), Labcorp
Classification: Pathogenic for Osteogenesis imperfecta type I. Last evaluated: 2024-10-07. Review status: criteria provided, single submitter. Criteria: Invitae Variant Classification Sherloc (09022015). Collection method: clinical testing. Allele origin: germline.
Comment: This sequence change creates a premature translational stop signal (p.Gln1379*) in the COL1A1 gene. It is expected to result in an absent or disrupted protein product. Loss-of-function variants in COL1A1 are known to be pathogenic (PMID: 7942841, 9295084, 9443882). This variant is not present in population databases (gnomAD no frequency). This variant has not been reported in the literature in individuals affected with COL1A1-related conditions. For these reasons, this variant has been classified as Pathogenic.

Literature cited by the submitters: PubMed 7942841; PubMed 9295084; PubMed 9443882.